The following is an entry in ClinVar:

ClinVar aggregate classification (germline): Uncertain significance. Review status: criteria provided, multiple submitters, no conflicts (2 of 4 stars). 3 submissions from 3 submitters: Uncertain significance (3). Last evaluated 2025-09-05.

Conditions:
Hereditary nonpolyposis colorectal neoplasms. Identifiers: MedGen C0009405, MeSH D003123.
Hereditary cancer-predisposing syndrome. Also called: Neoplastic Syndromes, Hereditary; Tumor predisposition; Hereditary Cancer Syndrome; Hereditary neoplastic syndrome. Identifiers: Orphanet 140162, MedGen C0027672, MeSH D009386, MONDO:0015356.

Allele frequency attached by ClinVar (database versions not stated): gnomAD exomes below 0.00001.
gnomAD v4.1: 2 of 1,612,064 alleles (0.00012%); highest among the groups gnomAD compares: Non-Finnish European, 0.00017%; no homozygotes.

Submissions (3):

Color Diagnostics, LLC DBA Color Health
Classification: Uncertain significance for Hereditary cancer-predisposing syndrome. Last evaluated: 2025-09-05. Review status: criteria provided, single submitter. Criteria: ACMG Guidelines, 2015. Collection method: clinical testing. Allele origin: germline.
Comment: This missense variant replaces methionine with isoleucine at codon 396 of the PMS2 protein. Computational prediction suggests that this variant may not impact protein structure and function. To our knowledge, functional studies have not been reported for this variant. This variant has not been reported in individuals affected with PMS2-related disorders in the literature. This variant has not been identified in the general population by the Genome Aggregation Database (gnomAD). The available evidence is insufficient to determine the role of this variant in disease conclusively. Therefore, this variant is classified as a Variant of Uncertain Significance.

Center for Genomic Medicine, Rigshospitalet, Copenhagen University Hospital
Classification: Uncertain significance. Last evaluated: 2025-03-04. Review status: criteria provided, single submitter. Criteria: ACMG Guidelines, 2015. Collection method: clinical testing. Allele origin: germline.

Labcorp Genetics (formerly Invitae), Labcorp
Classification: Uncertain significance for Hereditary nonpolyposis colorectal neoplasms. Last evaluated: 2022-06-18. Review status: criteria provided, single submitter. Criteria: Invitae Variant Classification Sherloc (09022015). Collection method: clinical testing. Allele origin: germline.
Comment: ClinVar contains an entry for this variant (Variation ID: 525866). This variant has not been reported in the literature in individuals affected with PMS2-related conditions. This variant is not present in population databases (gnomAD no frequency). This sequence change replaces methionine, which is neutral and non-polar, with isoleucine, which is neutral and non-polar, at codon 396 of the PMS2 protein (p.Met396Ile). In summary, the available evidence is currently insufficient to determine the role of this variant in disease. Therefore, it has been classified as a Variant of Uncertain Significance. Advanced modeling of protein sequence and biophysical properties (such as structural, functional, and spatial information, amino acid conservation, physicochemical variation, residue mobility, and thermodynamic stability) performed at Invitae indicates that this missense variant is not expected to disrupt PMS2 protein function.

NM_000535.7(PMS2):c.1188G>C (p.Met396Ile)

Gene: PMS2 (PMS1 homolog 2, mismatch repair system component; minus strand). Cytogenetic location: 7p22.1.
Variant type: single nucleotide variant.
Coding change: c.1188G>C on transcript NM_000535.7 (MANE Select); coding-DNA position 1188, G replaced by C.
Protein change: p.Met396Ile; replaces methionine 396 with isoleucine.
Molecular consequence: missense variant. On other transcripts: non-coding transcript variant (1).
Genome position (GRCh38, 1-based): chr7:5,987,577, C>G on the plus strand (G>C on the coding strand, the complement: PMS2 is on the minus strand). VCF-style: chr7-5987577-C-G. GRCh37 (hg19) VCF-style: chr7-6027208-C-G.
Other names: c.783G>C, p.Met261Ile (NM_001322003.2, NM_001322004.2, NM_001322005.2 and 1 more transcripts); c.1032G>C, p.Met344Ile (NM_001322006.2); c.870G>C, p.Met290Ile (NM_001322007.2, NM_001322008.2); c.627G>C, p.Met209Ile (NM_001322010.2); c.255G>C, p.Met85Ile (NM_001322011.2, NM_001322012.2); c.615G>C, p.Met205Ile (NM_001322013.2); c.1188G>C, p.Met396Ile (NM_001322014.2); c.879G>C, p.Met293Ile (NM_001322015.2); short protein forms M396I, M261I, M209I, M290I, M85I, M205I, M293I, M344I.
Identifiers: ClinVar variation 525866 (VCV000525866.16), dbSNP rs1170825702, ClinGen allele CA366742608.